The following is an entry in ClinVar:

NM_000156.6(GAMT):c.221C>T (p.Ala74Val)

Gene: GAMT (guanidinoacetate N-methyltransferase; minus strand). Cytogenetic location: 19p13.3.
Variant type: single nucleotide variant.
Coding change: c.221C>T on transcript NM_000156.6 (MANE Select); coding-DNA position 221, C replaced by T.
Protein change: p.Ala74Val; replaces alanine 74 with valine.
Molecular consequence: missense variant.
Genome position (GRCh38, 1-based): chr19:1,399,899, G>A on the plus strand (C>T on the coding strand, the complement: GAMT is on the minus strand). VCF-style: chr19-1399899-G-A. GRCh37 (hg19) VCF-style: chr19-1399898-G-A.
Other names: c.221C>T, p.Ala74Val (NM_138924.3); short protein forms A74V.
Identifiers: ClinVar variation 2159399 (VCV002159399.3), dbSNP rs2082623791, ClinGen allele CA402997000.
Genomic context (GRCh38, chr19:1,399,899, plus strand): 5'-CCGTCATTGCACTCGATGATCCAATGCTCATCAATGGGCGCCTCCTGCACCTTTGACGCT[G>A]CGATGGCCATGCCAAAGCCCACCTCCAGGACCCGGCCCCCTGGGCAGACACAGGGCGCCT-3'
Protein context (NP_000147.1, residues 64-84): VLEVGFGMAI[Ala74Val]ASKVQEAPID

ClinVar aggregate classification (germline): Uncertain significance (1 of 4 stars; one submission).

Conditions:
Cerebral creatine deficiency syndrome. Also called: Creatine deficiency syndromes. Identifiers: Orphanet 79172, MedGen C5244016, MONDO:0000456.

Allele frequency attached by ClinVar (database versions not stated): gnomAD exomes below 0.00001; TOPMed below 0.00001; gnomAD 0.00001.
gnomAD v4.1: 4 of 1,608,746 alleles (0.00025%); highest among the groups gnomAD compares: Non-Finnish European, 0.00034%; no homozygotes.

Submission:

Labcorp Genetics (formerly Invitae), Labcorp
Classification: Uncertain significance for Cerebral creatine deficiency syndrome. Last evaluated: 2022-04-06. Review status: criteria provided, single submitter. Criteria: Invitae Variant Classification Sherloc (09022015). Collection method: clinical testing. Allele origin: germline.
Comment: In summary, the available evidence is currently insufficient to determine the role of this variant in disease. Therefore, it has been classified as a Variant of Uncertain Significance. Algorithms developed to predict the effect of missense changes on protein structure and function are either unavailable or do not agree on the potential impact of this missense change (SIFT: "Deleterious"; PolyPhen-2: "Possibly Damaging"; Align-GVGD: "Class C0"). This variant has not been reported in the literature in individuals affected with GAMT-related conditions. This variant is not present in population databases (gnomAD no frequency). This sequence change replaces alanine, which is neutral and non-polar, with valine, which is neutral and non-polar, at codon 74 of the GAMT protein (p.Ala74Val).